The following is an entry in ClinVar:

NM_024122.5(APOO):c.103G>A (p.Val35Met)

Gene: APOO (apolipoprotein O; minus strand). Cytogenetic location: Xp22.11.
Variant type: single nucleotide variant.
Coding change: c.103G>A on transcript NM_024122.5 (MANE Select); coding-DNA position 103, G replaced by A.
Protein change: p.Val35Met; replaces valine 35 with methionine.
Molecular consequence: missense variant. On other transcripts: non-coding transcript variant (1).
Genome position (GRCh38, 1-based): chrX:23,880,859, C>T on the plus strand (G>A on the coding strand, the complement: APOO is on the minus strand). VCF-style: chrX-23880859-C-T. GRCh37 (hg19) VCF-style: chrX-23898976-C-T.
Other names: c.103G>A (NM_024122.4); short protein forms V35M.
Identifiers: ClinVar variation 2660173 (VCV002660173.25), dbSNP rs149224639, ClinGen allele CA10370196.

ClinVar aggregate classification (germline): Conflicting classifications of pathogenicity. Review status: criteria provided, conflicting classifications (1 of 4 stars). 2 submissions from 2 submitters: Uncertain significance (1); Likely benign (1). Last evaluated 2024-02-05.

Allele frequency attached by ClinVar (database versions not stated): ExAC 0.00006; gnomAD 0.00006; TOPMed 0.00008; ESP Exome Variant Server 0.00009; gnomAD exomes 0.00012.
gnomAD v4.1: 139 of 1,180,580 alleles (0.012%); highest among the groups gnomAD compares: Non-Finnish European, 0.014%; no homozygotes.

Submissions (2):

Ambry Genetics
Classification: Uncertain significance. Last evaluated: 2024-02-05. Review status: criteria provided, single submitter. Criteria: Ambry Variant Classification Scheme 2023. Collection method: clinical testing. Allele origin: germline.

CeGaT Center for Human Genetics Tuebingen
Classification: Likely benign. Last evaluated: 2022-11-01. Review status: criteria provided, single submitter. Criteria: CeGaT Center For Human Genetics Tuebingen Variant Classification Criteria Version 2. Collection method: clinical testing. Allele origin: germline. Affected: yes. Observed: 2 variant alleles.
Comment: APOO: BP4, BS2